The following is an entry in ClinVar:

ClinVar aggregate classification (germline): Uncertain significance (1 of 4 stars; one submission).

Allele frequency attached by ClinVar (database versions not stated): TOPMed 0.00001.

Submission:

Ambry Genetics
Classification: Uncertain significance. Last evaluated: 2023-02-05. Review status: criteria provided, single submitter. Criteria: Ambry Variant Classification Scheme 2023. Collection method: clinical testing. Allele origin: germline.
Comment: The p.M378I variant (also known as c.1134G>A), located in coding exon 9 of the RINT1 gene, results from a G to A substitution at nucleotide position 1134. The methionine at codon 378 is replaced by isoleucine, an amino acid with highly similar properties. This amino acid position is conserved. In addition, this alteration is predicted to be tolerated by in silico analysis. Since supporting evidence is limited at this time, the clinical significance of this alteration remains unclear.

NM_021930.6(RINT1):c.1134G>A (p.Met378Ile)

Gene: RINT1 (RAD50 interactor 1; plus strand). Cytogenetic location: 7q22.3.
Variant type: single nucleotide variant.
Coding change: c.1134G>A on transcript NM_021930.6 (MANE Select); coding-DNA position 1134, G replaced by A.
Protein change: p.Met378Ile; replaces methionine 378 with isoleucine.
Molecular consequence: missense variant. On other transcripts: non-coding transcript variant (1).
Genome position (GRCh38, 1-based): chr7:105,550,287, G>A. VCF-style: chr7-105550287-G-A. GRCh37 (hg19) VCF-style: chr7-105190734-G-A.
Other names: c.900G>A, p.Met300Ile (NM_001346599.2); c.111G>A, p.Met37Ile (NM_001346600.2, NM_001346603.2); c.210G>A, p.Met70Ile (NM_001346601.2); short protein forms M37I, M300I, M378I, M70I.
Identifiers: ClinVar variation 2496982 (VCV002496982.2), dbSNP rs1467756055, ClinGen allele CA368808831.
Genomic context (GRCh38, chr7:105,550,287, plus strand): 5'-TATTTACATACCTCATGTTTGTGTATTTTTTTAGCTTGAATTTTCTCGGGGCCTTATGAT[G>A]CTGGTTCTTGAGAAGTTAGCCACTGATATTCCTTGTCTGCTATATGATGACAATCTCTTC-3'
Protein context (NP_068749.3, residues 368-388): ARLEFSRGLM[Met378Ile]LVLEKLATDI